The following is an entry in ClinVar:

ClinVar aggregate classification (germline): Uncertain significance. Review status: criteria provided, multiple submitters, no conflicts (2 of 4 stars). 2 submissions from 2 submitters: Uncertain significance (2). Last evaluated 2023-02-01.

Conditions:
Dilated cardiomyopathy 1G (CMD1G). Identifiers: Orphanet 154, MedGen C1858763, MONDO:0011400, OMIM 604145.
Autosomal recessive limb-girdle muscular dystrophy type 2J (LGMDR10). Also called: Limb-girdle muscular dystrophy, type 2J; MUSCULAR DYSTROPHY, LIMB-GIRDLE, AUTOSOMAL RECESSIVE 10. Identifiers: Orphanet 140922, MedGen C1837342, MONDO:0012127, OMIM 608807.

Submissions (2):

Labcorp Genetics (formerly Invitae), Labcorp
Classification: Uncertain significance for Dilated cardiomyopathy 1G; Autosomal recessive limb-girdle muscular dystrophy type 2J. Last evaluated: 2023-02-01. Review status: criteria provided, single submitter. Criteria: Invitae Variant Classification Sherloc (09022015). Collection method: clinical testing. Allele origin: germline.
Comment: This sequence change replaces threonine, which is neutral and polar, with proline, which is neutral and non-polar, at codon 33748 of the TTN protein (p.Thr33748Pro). This variant is not present in population databases (gnomAD no frequency). This variant has not been reported in the literature in individuals affected with TTN-related conditions. ClinVar contains an entry for this variant (Variation ID: 805699). Experimental studies and prediction algorithms are not available or were not evaluated, and the functional significance of this variant is currently unknown. This variant is located in the M band of TTN (PMID: 25589632). Variants in this region may be relevant for neuromuscular disorders, but have not been definitively shown to cause cardiomyopathy (PMID: 23975875). In summary, the available evidence is currently insufficient to determine the role of this variant in disease. Therefore, it has been classified as a Variant of Uncertain Significance.

Athena Diagnostics
Classification: Uncertain significance. Last evaluated: 2019-05-24. Review status: criteria provided, single submitter. Criteria: Athena Diagnostics Criteria. Collection method: clinical testing. Allele origin: germline.

Literature cited by the submitters: PubMed 25589632 (cited by Labcorp Genetics (formerly Invitae), Labcorp); PubMed 23975875 (cited by Labcorp Genetics (formerly Invitae), Labcorp).

NM_001267550.2(TTN):c.101242A>C (p.Thr33748Pro)

Genes: TTN-AS1 (TTN antisense RNA 1; plus strand), TTN (titin; minus strand). Cytogenetic location: 2q31.2.
Variant type: single nucleotide variant.
Coding change: c.101242A>C on transcript NM_001267550.2 (MANE Select); coding-DNA position 101242, A replaced by C.
Protein change: p.Thr33748Pro; replaces threonine 33748 with proline.
Molecular consequence: missense variant.
Genome position (GRCh38, 1-based): chr2:178,535,373, T>G on the plus strand (A>C on the coding strand, the complement: TTN is on the minus strand). VCF-style: chr2-178535373-T-G. GRCh37 (hg19) VCF-style: chr2-179400100-T-G.
Other names: c.96319A>C, p.Thr32107Pro (NM_001256850.1); c.74623A>C, p.Thr24875Pro (NM_133437.4); c.74047A>C, p.Thr24683Pro (NM_003319.4); c.93538A>C, p.Thr31180Pro (NM_133378.4); c.74422A>C, p.Thr24808Pro (NM_133432.3); short protein forms T24875P, T32107P, T24808P, T31180P, T33748P, T24683P.
Identifiers: ClinVar variation 805699 (VCV000805699.6), dbSNP rs1575292990, ClinGen allele CA349421165.